The following is an entry in ClinVar:

NM_017934.7(PHIP):c.2201G>A (p.Ser734Asn)

Gene: PHIP (PHIP subunit of CUL4-Ring ligase complex; minus strand). Cytogenetic location: 6q14.1.
Variant type: single nucleotide variant.
Coding change: c.2201G>A on transcript NM_017934.7 (MANE Select); coding-DNA position 2201, G replaced by A.
Protein change: p.Ser734Asn; replaces serine 734 with asparagine.
Molecular consequence: missense variant.
Genome position (GRCh38, 1-based): chr6:78,997,414, C>T on the plus strand (G>A on the coding strand, the complement: PHIP is on the minus strand). VCF-style: chr6-78997414-C-T. GRCh37 (hg19) VCF-style: chr6-79707131-C-T.
Other names: short protein forms S734N.
Identifiers: ClinVar variation 3720151 (VCV003720151.2).

ClinVar aggregate classification (germline): Uncertain significance (1 of 4 stars; one submission).

Submission:

Labcorp Genetics (formerly Invitae), Labcorp
Classification: Uncertain significance. Last evaluated: 2025-02-24. Review status: criteria provided, single submitter. Criteria: Invitae Variant Classification Sherloc (09022015). Collection method: clinical testing. Allele origin: germline.
Comment: This sequence change replaces serine, which is neutral and polar, with asparagine, which is neutral and polar, at codon 734 of the PHIP protein (p.Ser734Asn). This variant also falls at the last nucleotide of exon 19, which is part of the consensus splice site for this exon. This variant is not present in population databases (gnomAD no frequency). This variant has not been reported in the literature in individuals affected with PHIP-related conditions. Invitae Evidence Modeling of protein sequence and biophysical properties (such as structural, functional, and spatial information, amino acid conservation, physicochemical variation, residue mobility, and thermodynamic stability) indicates that this missense variant is not expected to disrupt PHIP protein function with a negative predictive value of 95%. Variants that disrupt the consensus splice site are a relatively common cause of aberrant splicing (PMID: 17576681, 9536098). In summary, the available evidence is currently insufficient to determine the role of this variant in disease. Therefore, it has been classified as a Variant of Uncertain Significance.

Literature cited by the submitters: PubMed 17576681; PubMed 9536098.